The following is an entry in ClinVar:

NM_001369.3(DNAH5):c.4418T>C (p.Ile1473Thr)

Genes: DNAH5 (dynein axonemal heavy chain 5; minus strand), DNAH5-AS1 (DNAH5 antisense RNA 1; plus strand). Cytogenetic location: 5p15.2.
Variant type: single nucleotide variant.
Coding change: c.4418T>C on transcript NM_001369.3 (MANE Select); coding-DNA position 4418, T replaced by C.
Protein change: p.Ile1473Thr; replaces isoleucine 1473 with threonine.
Molecular consequence: missense variant.
Genome position (GRCh38, 1-based): chr5:13,864,575, A>G on the plus strand (T>C on the coding strand, the complement: DNAH5 is on the minus strand). VCF-style: chr5-13864575-A-G. GRCh37 (hg19) VCF-style: chr5-13864684-A-G.
Other names: c.4418T>C (NM_001369.2); short protein forms I1473T.
Identifiers: ClinVar variation 1448635 (VCV001448635.6), dbSNP rs779510008, ClinGen allele CA3203984.

ClinVar aggregate classification (germline): Uncertain significance. Review status: criteria provided, multiple submitters, no conflicts (2 of 4 stars). 2 submissions from 2 submitters: Uncertain significance (2). Last evaluated 2022-11-01.

Conditions:
Primary ciliary dyskinesia. Also called: Ciliary dyskinesia. Identifiers: Orphanet 244, MedGen C0008780, MONDO:0016575, HP:0012265.

Allele frequency attached by ClinVar (database versions not stated): ExAC 0.00001; gnomAD 0.00001 and 0.00002; gnomAD exomes 0.00001; TOPMed 0.00001.
gnomAD v4.1: 11 of 1,614,016 alleles (0.00068%); highest among the groups gnomAD compares: African/African-American, 0.0013%; no homozygotes.

Submissions (2):

Labcorp Genetics (formerly Invitae), Labcorp
Classification: Uncertain significance for Primary ciliary dyskinesia. Last evaluated: 2022-11-01. Review status: criteria provided, single submitter. Criteria: Invitae Variant Classification Sherloc (09022015). Collection method: clinical testing. Allele origin: germline.
Comment: This sequence change replaces isoleucine, which is neutral and non-polar, with threonine, which is neutral and polar, at codon 1473 of the DNAH5 protein (p.Ile1473Thr). This variant is present in population databases (rs779510008, gnomAD 0.003%). This variant has not been reported in the literature in individuals affected with DNAH5-related conditions. ClinVar contains an entry for this variant (Variation ID: 1448635). Advanced modeling of protein sequence and biophysical properties (such as structural, functional, and spatial information, amino acid conservation, physicochemical variation, residue mobility, and thermodynamic stability) has been performed at Invitae for this missense variant, however the output from this modeling did not meet the statistical confidence thresholds required to predict the impact of this variant on DNAH5 protein function. In summary, the available evidence is currently insufficient to determine the role of this variant in disease. Therefore, it has been classified as a Variant of Uncertain Significance.

Ambry Genetics
Classification: Uncertain significance for Primary ciliary dyskinesia. Last evaluated: 2022-07-26. Review status: criteria provided, single submitter. Criteria: Ambry Variant Classification Scheme 2023. Collection method: clinical testing. Allele origin: germline.